The following is an entry in ClinVar:

NM_002474.3(MYH11):c.1649T>C (p.Val550Ala)

Gene: MYH11 (myosin heavy chain 11; minus strand). Cytogenetic location: 16p13.11.
Variant type: single nucleotide variant.
Coding change: c.1649T>C on transcript NM_002474.3 (MANE Select); coding-DNA position 1649, T replaced by C.
Protein change: p.Val550Ala; replaces valine 550 with alanine.
Molecular consequence: missense variant.
Genome position (GRCh38, 1-based): chr16:15,756,441, A>G on the plus strand (T>C on the coding strand, the complement: MYH11 is on the minus strand). VCF-style: chr16-15756441-A-G. GRCh37 (hg19) VCF-style: chr16-15850298-A-G.
Other names: c.1670T>C, p.Val557Ala (NM_001040114.2, NM_001040113.2); c.1649T>C, p.Val550Ala (NM_022844.3); short protein forms V550A, V557A.
Identifiers: ClinVar variation 5018387 (VCV005018387.1).

ClinVar aggregate classification (germline): Uncertain significance (1 of 4 stars; one submission).

Submission:

GeneDx
Classification: Uncertain significance. Last evaluated: 2026-04-11. Review status: criteria provided, single submitter. Criteria: GeneDx Variant Classification Process June 2021. Collection method: clinical testing. Allele origin: germline.
Comment: Not observed at significant frequency in large population cohorts (gnomAD); In silico analysis supports that this missense variant has a deleterious effect on protein structure/function; Has not been previously published as pathogenic or benign to our knowledge